The following is an entry in ClinVar:

NM_015194.3(MYO1D):c.2865-44956_2865-37036del

Gene: MYO1D (myosin ID; minus strand). Cytogenetic location: 17q11.2.
Variant type: Deletion.
Coding change: c.2865-44956_2865-37036del on transcript NM_015194.3 (MANE Select); 44956 bases into the intron before coding-DNA position 2865 through 37036 bases into the intron before coding-DNA position 2865, 7,921 bases deleted.
Molecular consequence: intron variant.
Genome position (GRCh38, 1-based): chr17:32,531,951-32,539,871, 7,921 bases deleted. GRCh37 (hg19): chr17:30,858,970-30,866,890.
Identifiers: ClinVar variation 157379 (VCV000157379.2), ClinGen allele CA212439.

ClinVar aggregate classification (germline): not provided (0 of 4 stars; one submission).

Conditions:
Preeclampsia. Identifiers: Orphanet 275555, MedGen C0032914, MONDO:0005081, HP:0100602.

Submission:

Institute of Molecular and Cell Biology, University of Tartu
No classification provided. Condition: Preeclampsia. Review status: no classification provided. Collection method: case-control. Allele origin: unknown. Affected: yes. Study: Kasak2014.
Comment: The study aimed to determine the contribution of copy number variants in the genetic etiology of normal and complicated pregnancies. The samples represented (i) maternal blood DNA drawn from healthy pregnant women during 1st or 2nd trimester and (ii) maternal and paternal blood DNA drawn at term pregnancy cases representing normal and complicated gestations (severe preeclampsia, PE; gestational diabetes, GD; small-for-gestational age newborn, SGA; large-for-gestational age newborn, LGA). We performed CNV calling based on genome-wide genotyping dataset (Illumina HumanOmniExpress-24-v1 BeadChip) by applying three algorithms, QuantiSNP, GADA (Genome Alteration Detection Algorithm) and CNstream in parallel. The acquired CNV calls were merged with HD-CNV (Hotspot Detector for Copy Number Variants) program and only the CNVs predicted by at least two programs, were considered in subsequent analysis.

Literature cited by the submitters: PubMed 25666259.